The following is an entry in ClinVar:

ClinVar aggregate classification (germline): Likely benign. Review status: criteria provided, multiple submitters, no conflicts (2 of 4 stars). 3 submissions from 3 submitters: Likely benign (3). Last evaluated 2025-12-01.

Conditions:
Cardiovascular phenotype. Identifiers: MedGen CN230736.
JPH2-related disorder. Also called: JPH2-related condition.
Hypertrophic cardiomyopathy. Also called: HYPERTROPHIC MYOCARDIOPATHY. Identifiers: Orphanet 217569, MedGen C0007194, MeSH D002312, MONDO:0005045, HP:0001639.

Submissions (3):

Labcorp Genetics (formerly Invitae), Labcorp
Classification: Likely benign for Hypertrophic cardiomyopathy. Last evaluated: 2025-12-01. Review status: criteria provided, single submitter. Criteria: Invitae Variant Classification Sherloc (09022015). Collection method: clinical testing. Allele origin: germline.

PreventionGenetics, part of Exact Sciences
Classification: Likely benign for JPH2-related condition. Last evaluated: 2025-03-31. Review status: criteria provided, single submitter. Criteria: ACMG Guidelines, 2015. Collection method: clinical testing. Allele origin: germline.
Comment: This variant is classified as likely benign based on ACMG/AMP sequence variant interpretation guidelines (Richards et al. 2015 PMID: 25741868, with internal and published modifications).

Ambry Genetics
Classification: Likely benign for Cardiovascular phenotype. Last evaluated: 2023-02-16. Review status: criteria provided, single submitter. Criteria: Ambry Variant Classification Scheme 2023. Collection method: clinical testing. Allele origin: germline.

NM_020433.5(JPH2):c.897A>G (p.Lys299=)

Gene: JPH2 (junctophilin 2; minus strand). Cytogenetic location: 20q13.12.
Variant type: single nucleotide variant.
Coding change: c.897A>G on transcript NM_020433.5 (MANE Select); coding-DNA position 897, A replaced by G.
Protein change: p.Lys299=; no amino-acid change (lysine 299 retained).
Molecular consequence: synonymous variant.
Genome position (GRCh38, 1-based): chr20:44,159,890, T>C on the plus strand (A>G on the coding strand, the complement: JPH2 is on the minus strand). VCF-style: chr20-44159890-T-C. GRCh37 (hg19) VCF-style: chr20-42788530-T-C.
Identifiers: ClinVar variation 2472565 (VCV002472565.4), dbSNP rs2515744481, ClinGen allele CA510739494.